The following is an entry in ClinVar:

NM_001358235.2(DCHS2):c.2303A>G (p.His768Arg)

Gene: DCHS2 (dachsous cadherin-related 2; minus strand). Cytogenetic location: 4q31.3.
Variant type: single nucleotide variant.
Coding change: c.2303A>G on transcript NM_001358235.2 (MANE Select); coding-DNA position 2303, A replaced by G.
Protein change: p.His768Arg; replaces histidine 768 with arginine.
Molecular consequence: missense variant.
Genome position (GRCh38, 1-based): chr4:154,366,383, T>C on the plus strand (A>G on the coding strand, the complement: DCHS2 is on the minus strand). VCF-style: chr4-154366383-T-C. GRCh37 (hg19) VCF-style: chr4-155287535-T-C.
Other names: c.2303A>G, p.His768Arg (NM_001142552.2, NM_001412223.1); short protein forms H768R.
Identifiers: ClinVar variation 3059984 (VCV003059984.2), dbSNP rs10017772, ClinGen allele CA3113538.

ClinVar aggregate classification (germline): Benign (0 of 4 stars; one submission).

Conditions:
DCHS2-related disorder. Also called: DCHS2-related condition.

Allele frequency attached by ClinVar (database versions not stated): TOPMed 0.44136; ESP Exome Variant Server 0.44726; 1000 Genomes Project 30x 0.46143; 1000 Genomes Project 0.46186.
gnomAD v4.1: 752,478 of 1,613,054 alleles (47%); highest among the groups gnomAD compares: South Asian, 57%; 176,807 homozygotes.

Submission:

PreventionGenetics, part of Exact Sciences
Classification: Benign for DCHS2-related condition. Last evaluated: 2019-10-21. Review status: no assertion criteria provided. Collection method: clinical testing. Allele origin: germline.
Comment: This variant is classified as benign based on ACMG/AMP sequence variant interpretation guidelines (Richards et al. 2015 PMID: 25741868, with internal and published modifications).